The following is an entry in ClinVar:

NM_004100.5(EYA4):c.580+14_580+16del

Gene: EYA4 (EYA transcriptional coactivator and phosphatase 4; plus strand). Cytogenetic location: 6q23.2.
Variant type: Microsatellite.
Coding change: c.580+14_580+16del on transcript NM_004100.5 (MANE Select); bases 14 to 16 of the intron after coding-DNA position 580, 3 bases deleted (TCT; older notation c.580+14_580+16delTCT).
Molecular consequence: intron variant.
Genome position (GRCh38, 1-based): chr6:133,462,491-133,462,493, TCT deleted; deleting any 3 consecutive bases within chr6:133,462,488-133,462,493 gives the same sequence; the c. name uses the placement nearest the transcript's 3' end. VCF-style (leftmost placement, unchanged base first): chr6-133462487-ATCT-A. GRCh37 (hg19) VCF-style: chr6-133783625-ATCT-A.
Other names: p.?; c.580+14_580+16delTCT (NM_172105.3, NM_004100.4); c.580+14_580+16del (NM_001301013.2, NM_172105.4); c.511+14_511+16del (NM_001370458.1, NM_172103.4); c.418+14_418+16del (NM_001370459.1, NM_001301012.2).
Identifiers: ClinVar variation 178670 (VCV000178670.20), dbSNP rs139659489, ClinGen allele CA182760.

ClinVar aggregate classification (germline): Benign. Review status: criteria provided, multiple submitters, no conflicts (2 of 4 stars). 6 submissions from 6 submitters: Benign (6). Last evaluated 2026-02-04.

Conditions:
Dilated cardiomyopathy 1J (CMD1J). Also called: CARDIOMYOPATHY, DILATED, WITH SENSORINEURAL HEARING LOSS, AUTOSOMAL DOMINANT. Identifiers: Orphanet 217622, MedGen C1854368, MONDO:0011541, OMIM 605362.

Submissions (6):

Labcorp Genetics (formerly Invitae), Labcorp
Classification: Benign for Dilated cardiomyopathy 1J. Last evaluated: 2026-02-04. Review status: criteria provided, single submitter. Criteria: Invitae Variant Classification Sherloc (09022015). Collection method: clinical testing. Allele origin: germline.

Mayo Clinic Laboratories, Mayo Clinic
Classification: Benign. Last evaluated: 2022-10-18. Review status: criteria provided, single submitter. Criteria: ACMG Guidelines, 2015. Collection method: clinical testing. Allele origin: germline. Observed: 4 variant alleles.

GeneDx
Classification: Benign. Last evaluated: 2020-02-17. Review status: criteria provided, single submitter. Criteria: GeneDx Variant Classification Process June 2021. Collection method: clinical testing. Allele origin: germline. Affected: yes.

Women's Health and Genetics/Laboratory Corporation of America, LabCorp
Classification: Benign. Last evaluated: 2019-08-26. Review status: criteria provided, single submitter. Criteria: LabCorp Variant Classification Summary - May 2015. Collection method: clinical testing. Allele origin: germline.
Comment: Variant summary: EYA4 c.580+14_580+16delTCT alters a non-conserved nucleotide located close to a canonical splice site and therefore could affect mRNA splicing, leading to a significantly altered protein sequence. 4/5 computational tools predict no significant impact on normal splicing. However, these predictions have yet to be confirmed by functional studies. The variant allele was found at a frequency of 0.02 in 251064 control chromosomes, predominantly at a frequency of 0.1 within the African or African-American subpopulation in the gnomAD database, including 90 homozygotes. The observed variant frequency within African or African-American control individuals in the gnomAD database is approximately 4000-folds over the estimated maximal expected allele frequency for a pathogenic variant in EYA4 causing Cardiomyopathy phenotype (2.5e-05), strongly suggesting that the variant is a benign polymorphism found primarily in populations of African or African-American origin. Two ClinVar submissions (evaluation after 2014) cite the variant as likely benign/benign. Based on the evidence outlined above, the variant was classified as benign.

Laboratory for Molecular Medicine, Mass General Brigham Personalized Medicine
Classification: Benign. Last evaluated: 2015-07-21. Review status: criteria provided, single submitter. Criteria: LMM Criteria. Collection method: clinical testing. Allele origin: germline. Observed: 47 variant alleles.
Comment: c.580+14_580+16delTCT in intron 8 of EYA4: This variant is not expected to have clinical significance because it has been identified in 10.3% (53/1072) of Afric an chromosomes by the Exome Aggregation Consortium (ExAC; dbSNP rs139659489)

PreventionGenetics, part of Exact Sciences
Classification: Benign. Review status: criteria provided, single submitter. Criteria: ACMG Guidelines, 2015. Collection method: clinical testing. Allele origin: germline.